The following is an entry in ClinVar:

ClinVar aggregate classification (germline): Likely benign. Review status: criteria provided, multiple submitters, no conflicts (2 of 4 stars). 2 submissions from 2 submitters: Likely benign (2). Last evaluated 2023-10-01.

Allele frequency attached by ClinVar (database versions not stated): TOPMed below 0.00001; gnomAD 0.00002; gnomAD exomes 0.00002; 1000 Genomes Project 30x 0.00021; 1000 Genomes Project 0.00026.
gnomAD v4.1: 20 of 1,209,493 alleles (0.0017%); highest among the groups gnomAD compares: Non-Finnish European, 0.0022%; no homozygotes.

Submissions (2):

CeGaT Center for Human Genetics Tuebingen
Classification: Likely benign. Last evaluated: 2023-10-01. Review status: criteria provided, single submitter. Criteria: CeGaT Center For Human Genetics Tuebingen Variant Classification Criteria Version 2. Collection method: clinical testing. Allele origin: germline. Affected: yes. Observed: 1 variant allele.
Comment: AFF2: BS2

Blueprint Genetics
Classification: Likely benign. Last evaluated: 2019-02-18. Review status: criteria provided, single submitter. Criteria: ACMG Guidelines, 2015. Collection method: clinical testing. Allele origin: germline.

NM_002025.4(AFF2):c.2601G>A (p.Lys867=)

Gene: AFF2 (ALF transcription elongation factor 2; plus strand). Cytogenetic location: Xq28.
Variant type: single nucleotide variant.
Coding change: c.2601G>A on transcript NM_002025.4 (MANE Select); coding-DNA position 2601, G replaced by A.
Protein change: p.Lys867=; no amino-acid change (lysine 867 retained).
Molecular consequence: synonymous variant.
Genome position (GRCh38, 1-based): chrX:148,958,369, G>A. VCF-style: chrX-148958369-G-A. GRCh37 (hg19) VCF-style: chrX-148039899-G-A.
Other names: c.2502G>A, p.Lys834= (NM_001169122.2); c.2571G>A, p.Lys857= (NM_001169123.2); c.2496G>A, p.Lys832= (NM_001169124.2); c.2484G>A, p.Lys828= (NM_001169125.2); c.1524G>A, p.Lys508= (NM_001170628.1).
Identifiers: ClinVar variation 2661610 (VCV002661610.25), dbSNP rs185675988, ClinGen allele CA337003493.